The following is an entry in ClinVar:

ClinVar aggregate classification (germline): Uncertain significance. Review status: criteria provided, single submitter (1 of 4 stars). 2 submissions from 2 submitters: Uncertain significance (1). 1 of the submissions does not count toward it. Last evaluated 2025-06-12.

Conditions:
MAGEL2-related disorder. Also called: MAGEL2-related condition.

Allele frequency attached by ClinVar (database versions not stated): TOPMed below 0.00001.

Submissions (2):

Labcorp Genetics (formerly Invitae), Labcorp
Classification: Uncertain significance. Last evaluated: 2025-06-12. Review status: criteria provided, single submitter. Criteria: Invitae Variant Classification Sherloc (09022015). Collection method: clinical testing. Allele origin: germline.
Comment: This sequence change replaces proline, which is neutral and non-polar, with serine, which is neutral and polar, at codon 422 of the MAGEL2 protein (p.Pro422Ser). This variant is present in population databases (no rsID available, gnomAD 0.009%). This variant has not been reported in the literature in individuals affected with MAGEL2-related conditions. ClinVar contains an entry for this variant (Variation ID: 1941244). Experimental studies and prediction algorithms are not available or were not evaluated, and the functional significance of this variant is currently unknown. In summary, the available evidence is currently insufficient to determine the role of this variant in disease. Therefore, it has been classified as a Variant of Uncertain Significance.

PreventionGenetics, part of Exact Sciences
Classification: Uncertain significance for MAGEL2-related condition. Last evaluated: 2024-05-01. Review status: no assertion criteria provided. Collection method: clinical testing. Allele origin: germline. Not counted in ClinVar's aggregate classification.
Comment: The MAGEL2 c.1264C>T variant is predicted to result in the amino acid substitution p.Pro422Ser. To our knowledge, this variant has not been reported in the literature. This variant is reported in 0.0089% of alleles in individuals of Latino descent in gnomAD. At this time, the clinical significance of this variant is uncertain due to the absence of conclusive functional and genetic evidence.

NM_019066.5(MAGEL2):c.1264C>T (p.Pro422Ser)

Gene: MAGEL2 (MAGE family member L2; minus strand). Cytogenetic location: 15q11.2.
Variant type: single nucleotide variant.
Coding change: c.1264C>T on transcript NM_019066.5 (MANE Select); coding-DNA position 1264, C replaced by T.
Protein change: p.Pro422Ser; replaces proline 422 with serine.
Molecular consequence: missense variant.
Genome position (GRCh38, 1-based): chr15:23,646,479, G>A on the plus strand (C>T on the coding strand, the complement: MAGEL2 is on the minus strand). VCF-style: chr15-23646479-G-A. GRCh37 (hg19) VCF-style: chr15-23891626-G-A.
Other names: c.1264C>T (NM_019066.4); short protein forms P422S.
Identifiers: ClinVar variation 1941244 (VCV001941244.6), dbSNP rs1187251818, ClinGen allele CA391334717.